The following is an entry in ClinVar:

ClinVar aggregate classification (germline): Likely benign. Review status: criteria provided, multiple submitters, no conflicts (2 of 4 stars). 2 submissions from 2 submitters: Likely benign (2). Last evaluated 2024-10-02.

gnomAD v4.1: 340 of 1,608,782 alleles (0.021%); highest among the groups gnomAD compares: African/African-American, 0.38%; no homozygotes.

Submissions (2):

Blueprint Genetics
Classification: Likely benign. Last evaluated: 2024-10-02. Review status: criteria provided, single submitter. Criteria: ACMG Guidelines, 2015. Collection method: clinical testing. Allele origin: germline.

Mayo Clinic Laboratories, Mayo Clinic
Classification: Likely benign. Last evaluated: 2024-07-17. Review status: criteria provided, single submitter. Criteria: ACMG Guidelines, 2015. Collection method: clinical testing. Allele origin: germline. Observed: 3 variant alleles.
Comment: BS1, BP4

NM_004813.4(PEX16):c.*173C>T

Gene: PEX16 (peroxisomal biogenesis factor 16; minus strand). Cytogenetic location: 11p11.2.
Variant type: single nucleotide variant.
Coding change: c.*173C>T on transcript NM_004813.4 (MANE Select); 173 bases downstream of the stop codon, C replaced by T.
Molecular consequence: 3 prime UTR variant.
Genome position (GRCh38, 1-based): chr11:45,910,081, G>A on the plus strand (C>T on the coding strand, the complement: PEX16 is on the minus strand). VCF-style: chr11-45910081-G-A. GRCh37 (hg19) VCF-style: chr11-45931632-G-A.
Other names: c.*8C>T (NM_057174.3).
Identifiers: ClinVar variation 4683607 (VCV004683607.2).
Genomic context (GRCh38, chr11:45,910,081, plus strand): 5'-AGTGAAGGCTTCTTGGCCCAGCAGTGACAAGGTGCGGGCTGCAGTGGCATCGTCACAGGA[G>A]AGCGCAGTCAAGGGTGTCCTGGGAGGAACGCTGGTGGCGACCAGGGCTGTGTGTGGGGCC-3'